The following is an entry in ClinVar:

NM_007194.4(CHEK2):c.1133C>T (p.Thr378Ile)

Gene: CHEK2 (checkpoint kinase 2; minus strand). Cytogenetic location: 22q12.1.
Variant type: single nucleotide variant.
Coding change: c.1133C>T on transcript NM_007194.4 (MANE Select); coding-DNA position 1133, C replaced by T.
Protein change: p.Thr378Ile; replaces threonine 378 with isoleucine.
Molecular consequence: missense variant.
Genome position (GRCh38, 1-based): chr22:28,695,836, G>A on the plus strand (C>T on the coding strand, the complement: CHEK2 is on the minus strand). VCF-style: chr22-28695836-G-A. GRCh37 (hg19) VCF-style: chr22-29091824-G-A.
Other names: p.T378I:ACC>ATC; c.1262C>T, p.Thr421Ile (NM_001005735.3); c.470C>T, p.Thr157Ile (NM_001257387.3); c.932C>T, p.Thr311Ile (NM_001349956.3); c.1046C>T, p.Thr349Ile (NM_145862.3); short protein forms T378I, T157I, T311I, T349I, T421I.
Identifiers: ClinVar variation 128046 (VCV000128046.45), dbSNP rs587780167, ClinGen allele CA288258.

ClinVar aggregate classification (germline): Uncertain significance. Review status: criteria provided, multiple submitters, no conflicts (2 of 4 stars). 14 submissions from 14 submitters: Uncertain significance (13). 1 of the submissions does not count toward it. Last evaluated 2026-01-25.

Conditions:
CHEK2-related disorder.
Prostate cancer. Also called: Malignant tumor of prostate. Identifiers: Orphanet 1331, MedGen C0376358, MONDO:0008315, HP:0012125.
Familial cancer of breast. Also called: BREAST CANCER, FAMILIAL; Hereditary breast cancer; hereditary breast carcinoma. Identifiers: Orphanet 227535, MedGen C0346153, MONDO:0016419, OMIM 114480. Disease mechanism: loss of function.
Bone osteosarcoma. Also called: Osteosarcoma, somatic. Identifiers: Orphanet 668, MedGen C0585442, MONDO:0002629, OMIM 259500.
CHEK2-related cancer predisposition (TPDS4). Also called: TUMOR PREDISPOSITION SYNDROME 4; CANCER PREDISPOSITION SYNDROME, CHEK2-RELATED; CHEK2-related cancer susceptibility. Identifiers: Orphanet 524, MedGen C5882668, MONDO:0700271, OMIM 609265.
Hereditary cancer-predisposing syndrome. Also called: Hereditary Cancer Syndrome; Tumor predisposition; Hereditary neoplastic syndrome; Neoplastic Syndromes, Hereditary. Identifiers: Orphanet 140162, MedGen C0027672, MeSH D009386, MONDO:0015356.

Allele frequency attached by ClinVar (database versions not stated): gnomAD exomes 0.00002 and 0.00005; gnomAD 0.00003; TOPMed 0.00003; ExAC 0.00007.
gnomAD v4.1: 33 of 1,613,512 alleles (0.002%); highest among the groups gnomAD compares: Admixed American, 0.012%; no homozygotes.

Submissions 1 to 8 of 14:

Labcorp Genetics (formerly Invitae), Labcorp
Classification: Uncertain significance for Familial cancer of breast. Last evaluated: 2026-01-25. Review status: criteria provided, single submitter. Criteria: Invitae Variant Classification Sherloc (09022015). Collection method: clinical testing. Allele origin: germline.
Comment: This sequence change replaces threonine, which is neutral and polar, with isoleucine, which is neutral and non-polar, at codon 378 of the CHEK2 protein (p.Thr378Ile). This variant is present in population databases (rs587780167, gnomAD 0.01%). This missense change has been observed in individual(s) with breast cancer (PMID: 34282249). ClinVar contains an entry for this variant (Variation ID: 128046). An algorithm developed to predict the effect of missense changes on protein structure and function (PolyPhen-2) suggests that this variant is likely to be disruptive. Experimental studies are conflicting or provide insufficient evidence to determine the effect of this variant on CHEK2 function (PMID: 30851065, 37449874). In summary, the available evidence is currently insufficient to determine the role of this variant in disease. Therefore, it has been classified as a Variant of Uncertain Significance.

Center for Genomic Medicine, Rigshospitalet, Copenhagen University Hospital
Classification: Uncertain significance. Last evaluated: 2025-12-29. Review status: criteria provided, single submitter. Criteria: ACMG Guidelines, 2015. Collection method: clinical testing. Allele origin: germline.

PreventionGenetics, part of Exact Sciences
Classification: Uncertain significance for CHEK2-related condition. Last evaluated: 2025-12-17. Review status: criteria provided, single submitter. Criteria: ACMG Guidelines, 2015. Collection method: clinical testing. Allele origin: germline.
Comment: The CHEK2 c.1133C>T variant is predicted to result in the amino acid substitution p.Thr378Ile. This variant was reported in an individual with breast cancer in the presence of a pathogenic variant in a different gene (Helgadottir et al. 2021. PubMed ID: 34282249). However, this variant has also been documented in controls (Table S3, Weitzel et al. 2019. PubMed ID: 31206626). An in vivo, yeast-based growth rate assay showed this variant behaved similar to wild type CHEK2 (Delimitsou et al. 2019. PubMed ID: 30851065). Another sutdy showed this variant had impaired CHEK2 activity in KAP1 and CHK2 kinase assays (Stolarova et al. 2023. PubMed ID: 37449874). This variant is reported in 0.012% of alleles in individuals of Latino descent in gnomAD and is interpreted as uncertain in ClinVar (Variation ID: 128046). Although we suspect that this variant may be benign, at this time, the clinical significance of this variant is uncertain due to the absence of conclusive functional and genetic evidence.

Ambry Genetics
Classification: Uncertain significance for Hereditary cancer-predisposing syndrome. Last evaluated: 2024-09-09. Review status: criteria provided, single submitter. Criteria: Ambry Variant Classification Scheme 2023. Collection method: clinical testing. Allele origin: germline.
Comment: The p.T378I variant (also known as c.1133C>T), located in coding exon 10 of the CHEK2 gene, results from a C to T substitution at nucleotide position 1133. The threonine at codon 378 is replaced by isoleucine, an amino acid with similar properties. This alteration behaved as functional in an in vivo, yeast-based growth rate assay (Delimitsou A et al. Hum Mutat, 2019 05;40:631-648). This alteration was reported as functionally impaired in a study assessing CHEK2-complementation through quantification of KAP1 phosphorylation and CHK2 autophosphorylation in human RPE1-CHEK2-knockout cells (Stolarova L et al. Clin Cancer Res, 2023 Aug;29:3037-3050). This amino acid position is well conserved in available vertebrate species. In addition, the in silico prediction for this alteration is inconclusive. Based on the available evidence, the clinical significance of this variant remains unclear.

Women's Health and Genetics/Laboratory Corporation of America, LabCorp
Classification: Uncertain significance. Last evaluated: 2024-06-24. Review status: criteria provided, single submitter. Criteria: LabCorp Variant Classification Summary - May 2015. Collection method: clinical testing. Allele origin: germline.
Comment: Variant summary: CHEK2 c.1133C>T (p.Thr378Ile) results in a non-conservative amino acid change located in the Protein kinase domain (IPR000719) of the encoded protein sequence. Three of five in-silico tools predict a benign effect of the variant on protein function. The variant allele was found at a frequency of 5.2e-05 in 250714 control chromosomes. This frequency is not significantly higher than estimated for a pathogenic variant in CHEK2 causing Hereditary Breast And Ovarian Cancer Syndrome (5.2e-05 vs 0.00031), allowing no conclusion about variant significance. c.1133C>T has been reported in the literature in unaffected controls and individuals with breast cancer (example, Weitzel_2019, Dorling_2021/LOVD database, Stolarova_2023). These report(s) do not provide unequivocal conclusions about association of the variant with Hereditary Breast And Ovarian Cancer Syndrome. A co-occurrence with a pathogenic variant has been reported (BRIP1 c.2108delinsTCC, p.Lys703Ilefs*3 in Helgadottir_2021), providing supporting evidence for a benign role. In a functional study, the variant results in reduced KAP1 phosphorylation and CHK2 autophosphorylation activity (35.8% and 47.5% versus wild type, respectively) in vitro in a human CHEK2-knockout background (example, Stolarova_2023). A further study showed no damaging effect of this variant in an in vivo yeast based assay comparing growth rates of each strain with positive and negative controls, however the relevance of this assay with respect to CHEK2 function in humans is unclear (example, Delimitsou_2019). The following publications have been ascertained in the context of this evaluation (PMID: 30851065, 33471991, 34282249, 37449874, 31206626). ClinVar contains an entry for this variant (Variation ID: 128046). Based on the evidence outlined above, the variant was classified as uncertain significance.

Color Diagnostics, LLC DBA Color Health
Classification: Uncertain significance for Hereditary cancer-predisposing syndrome. Last evaluated: 2024-03-19. Review status: criteria provided, single submitter. Criteria: ACMG Guidelines, 2015. Collection method: clinical testing. Allele origin: germline.
Comment: This missense variant replaces threonine with isoleucine at codon 378 in the kinase domain of the CHEK2 protein. The reference threonine residue has been shown to be phosphorylated in response to DNA damage stimuli (PMID: 17698850, 20713355) and to play a role in regulating ionizing radiation-induced kinase activity (PMID: 20713355). Computational prediction suggests that this variant may not impact protein structure and function. A functional studies have shown the mutant protein to be functional in DNA damage repair assay in yeast (PMID: 30851065), but non-functional in KAP1 phosphorylation and CHEK2 autophosphorylation in a human cell complementation assay (PMID: 37449874). In two large breast cancer case-control meta-analyses, this variant was observed in 9/60466 cases and 7/53461 unaffected controls (PMID: 33471991; Leiden Open Variation Database DB-ID CHEK2_000355) and 5/73048 cases cases and 3/88658 controls (PMID: 37449874). This variant has been identified in 13/250714 chromosomes in the general population by the Genome Aggregation Database (gnomAD). The available evidence is insufficient to determine the role of this variant in disease conclusively. Therefore, this variant is classified as a Variant of Uncertain Significance.

GeneDx
Classification: Uncertain significance. Last evaluated: 2024-02-11. Review status: criteria provided, single submitter. Criteria: GeneDx Variant Classification Process June 2021. Collection method: clinical testing. Allele origin: germline. Affected: yes.
Comment: Published functional studies demonstrate DNA damage response and cell growth comparable to wild type in yeast-based assays but impaired kinase activity and auto-phosphorylation in human-cell based studies (PMID: 30851065, 37449874); Observed in individuals with breast cancer and in unaffected controls (PMID: 31206626, 33471991, 34282249, 37449874); In silico analysis supports that this missense variant has a deleterious effect on protein structure/function; Not observed at significant frequency in large population cohorts (gnomAD); This variant is associated with the following publications: (PMID: 33471991, 30851065, 31206626, 34282249, 37449874, 22419737, 19782031, 20713355, 17698850)

Baylor Genetics
Classification: Uncertain significance for Familial cancer of breast. Last evaluated: 2023-09-29. Review status: criteria provided, single submitter. Criteria: ACMG Guidelines, 2015. Collection method: clinical testing. Allele origin: unknown.